The following is an entry in ClinVar:

ClinVar aggregate classification (germline): Benign/Likely benign. Review status: criteria provided, multiple submitters, no conflicts (2 of 4 stars). 4 submissions from 4 submitters: Benign (1); Likely benign (3). Last evaluated 2025-05-15.

Conditions:
Hereditary cancer-predisposing syndrome. Also called: Hereditary neoplastic syndrome; Tumor predisposition; Neoplastic Syndromes, Hereditary; Hereditary Cancer Syndrome. Identifiers: Orphanet 140162, MedGen C0027672, MeSH D009386, MONDO:0015356.
Tuberous sclerosis 2 (TSC2). Identifiers: Orphanet 805, MedGen C1860707, MONDO:0013199, OMIM 613254.

gnomAD v4.1: 2 of 1,613,412 alleles (0.00012%); highest among the groups gnomAD compares: Non-Finnish European, 0.00017%; no homozygotes.

Submissions (4):

Myriad Genetics, Inc.
Classification: Benign for Tuberous sclerosis 2. Last evaluated: 2025-05-15. Review status: criteria provided, single submitter. Criteria: Myriad Autosomal Dominant, Autosomal Recessive and X-Linked Classification Criteria (2023). Collection method: clinical testing. Allele origin: unknown.
Comment: This variant is considered benign. This variant is a silent/synonymous amino acid change and it is not expected to impact splicing.

Ambry Genetics
Classification: Likely benign for Hereditary cancer-predisposing syndrome. Last evaluated: 2023-05-15. Review status: criteria provided, single submitter. Criteria: Ambry Variant Classification Scheme 2023. Collection method: clinical testing. Allele origin: germline.

Labcorp Genetics (formerly Invitae), Labcorp
Classification: Likely benign for Tuberous sclerosis 2. Last evaluated: 2023-01-13. Review status: criteria provided, single submitter. Criteria: Invitae Variant Classification Sherloc (09022015). Collection method: clinical testing. Allele origin: germline.

Sema4
Classification: Likely benign for Hereditary cancer-predisposing syndrome. Last evaluated: 2021-12-13. Review status: criteria provided, single submitter. Criteria: Sema4 Curation Guidelines. Collection method: curation. Allele origin: germline.

NM_000548.5(TSC2):c.1732C>T (p.Leu578=)

Gene: TSC2 (TSC complex subunit 2; plus strand). Cytogenetic location: 16p13.3.
Variant type: single nucleotide variant.
Coding change: c.1732C>T on transcript NM_000548.5 (MANE Select); coding-DNA position 1732, C replaced by T.
Protein change: p.Leu578=; no amino-acid change (leucine 578 retained).
Molecular consequence: synonymous variant.
Genome position (GRCh38, 1-based): chr16:2,070,471, C>T. VCF-style: chr16-2070471-C-T. GRCh37 (hg19) VCF-style: chr16-2120472-C-T.
Other names: c.1732C>T, p.Leu578= (NM_001077183.3, NM_001114382.3, NM_001363528.2 and 3 more transcripts); c.1621C>T, p.Leu541= (NM_001318827.2); c.1585C>T, p.Leu529= (NM_001318829.2); c.1132C>T, p.Leu378= (NM_001318831.2); c.1765C>T, p.Leu589= (NM_001318832.2).
Identifiers: ClinVar variation 1147336 (VCV001147336.12), dbSNP rs1204972424, ClinGen allele CA492949676.